The following is an entry in ClinVar:

ClinVar aggregate classification (germline): Uncertain significance. Review status: criteria provided, multiple submitters, no conflicts (2 of 4 stars). 2 submissions from 2 submitters: Uncertain significance (2). Last evaluated 2025-05-16.

Conditions:
Combined immunodeficiency due to LRBA deficiency. Also called: Common variable immunodeficiency 8, with autoimmunity. Identifiers: Orphanet 445018, MedGen C3553512, MONDO:0013863, OMIM 614700.
Inborn genetic diseases. Identifiers: MedGen C0950123, MeSH D030342.

Allele frequency attached by ClinVar (database versions not stated): gnomAD exomes 0.00003 and 0.00006; ExAC 0.00004; TOPMed 0.00007.
gnomAD v4.1: 62 of 1,613,928 alleles (0.0038%); highest among the groups gnomAD compares: African/African-American, 0.017%; no homozygotes.

Submissions (2):

Ambry Genetics
Classification: Uncertain significance for Inborn genetic diseases. Last evaluated: 2025-05-16. Review status: criteria provided, single submitter. Criteria: Ambry Variant Classification Scheme 2023. Collection method: clinical testing. Allele origin: germline.

Labcorp Genetics (formerly Invitae), Labcorp
Classification: Uncertain significance for Combined immunodeficiency due to LRBA deficiency. Last evaluated: 2022-02-03. Review status: criteria provided, single submitter. Criteria: Invitae Variant Classification Sherloc (09022015). Collection method: clinical testing. Allele origin: germline.
Comment: This sequence change replaces arginine, which is basic and polar, with glutamine, which is neutral and polar, at codon 2825 of the LRBA protein (p.Arg2825Gln). This variant is present in population databases (rs746707676, gnomAD 0.03%). This variant has not been reported in the literature in individuals affected with LRBA-related conditions. ClinVar contains an entry for this variant (Variation ID: 649387). Algorithms developed to predict the effect of missense changes on protein structure and function are either unavailable or do not agree on the potential impact of this missense change (SIFT: "Deleterious"; PolyPhen-2: "Probably Damaging"; Align-GVGD: "Class C0"). Algorithms developed to predict the effect of sequence changes on RNA splicing suggest that this variant may create or strengthen a splice site. In summary, the available evidence is currently insufficient to determine the role of this variant in disease. Therefore, it has been classified as a Variant of Uncertain Significance.

NM_001364905.1(LRBA):c.8441G>A (p.Arg2814Gln)

Gene: LRBA (LPS responsive beige-like anchor protein; minus strand). Cytogenetic location: 4q31.3.
Variant type: single nucleotide variant.
Coding change: c.8441G>A on transcript NM_001364905.1 (MANE Select); coding-DNA position 8441, G replaced by A.
Protein change: p.Arg2814Gln; replaces arginine 2814 with glutamine.
Molecular consequence: missense variant.
Genome position (GRCh38, 1-based): chr4:150,277,880, C>T on the plus strand (G>A on the coding strand, the complement: LRBA is on the minus strand). VCF-style: chr4-150277880-C-T. GRCh37 (hg19) VCF-style: chr4-151199032-C-T.
Other names: c.8438G>A, p.Arg2813Gln (NM_001199282.3); c.8456G>A, p.Arg2819Gln (NM_001367550.1); c.8474G>A, p.Arg2825Gln (NM_006726.5); short protein forms R2819Q, R2813Q, R2814Q, R2825Q.
Identifiers: ClinVar variation 649387 (VCV000649387.8), dbSNP rs746707676, ClinGen allele CA3101344.